The following is an entry in ClinVar:

NM_000038.6(APC):c.4715T>G (p.Ile1572Ser)

Gene: APC (APC regulator of Wnt signaling pathway; plus strand). Cytogenetic location: 5q22.2.
Variant type: single nucleotide variant.
Coding change: c.4715T>G on transcript NM_000038.6 (MANE Select); coding-DNA position 4715, T replaced by G.
Protein change: p.Ile1572Ser; replaces isoleucine 1572 with serine.
Molecular consequence: missense variant.
Genome position (GRCh38, 1-based): chr5:112,840,309, T>G. VCF-style: chr5-112840309-T-G. GRCh37 (hg19) VCF-style: chr5-112176006-T-G.
Other names: c.4715T>G, p.Ile1572Ser (NM_001127510.3, NM_001354895.2); c.4661T>G, p.Ile1554Ser (NM_001127511.3); c.4769T>G, p.Ile1590Ser (NM_001354896.2); c.4745T>G, p.Ile1582Ser (NM_001354897.2); c.4640T>G, p.Ile1547Ser (NM_001354898.2); c.4631T>G, p.Ile1544Ser (NM_001354899.2); c.4592T>G, p.Ile1531Ser (NM_001354900.2); c.4538T>G, p.Ile1513Ser (NM_001354901.2); and 5 more; short protein forms I1289S, I1412S, I1446S, I1471S, I1481S, I1513S, I1531S, I1544S.
Identifiers: ClinVar variation 1331975 (VCV001331975.4), dbSNP rs863224543, ClinGen allele CA16031672.

ClinVar aggregate classification (germline): Uncertain significance. Review status: criteria provided, multiple submitters, no conflicts (2 of 4 stars). 2 submissions from 2 submitters: Uncertain significance (2). Last evaluated 2024-11-14.

Conditions:
Hereditary cancer-predisposing syndrome. Also called: Tumor predisposition; Hereditary Cancer Syndrome; Neoplastic Syndromes, Hereditary; Hereditary neoplastic syndrome. Identifiers: Orphanet 140162, MedGen C0027672, MeSH D009386, MONDO:0015356.

Submissions (2):

Ambry Genetics
Classification: Uncertain significance for Hereditary cancer-predisposing syndrome. Last evaluated: 2024-11-14. Review status: criteria provided, single submitter. Criteria: Ambry Variant Classification Scheme 2023. Collection method: clinical testing. Allele origin: germline.
Comment: The p.I1572S variant (also known as c.4715T>G), located in coding exon 15 of the APC gene, results from a T to G substitution at nucleotide position 4715. The isoleucine at codon 1572 is replaced by serine, an amino acid with dissimilar properties. This amino acid position is conserved. In addition, in silico predictors for this gene do not accurately predict pathogenicity. Based on the available evidence, the clinical significance of this variant remains unclear.

Color Diagnostics, LLC DBA Color Health
Classification: Uncertain significance for Hereditary cancer-predisposing syndrome. Last evaluated: 2024-03-06. Review status: criteria provided, single submitter. Criteria: ACMG Guidelines, 2015. Collection method: clinical testing. Allele origin: germline.
Comment: This missense variant replaces isoleucine with serine at codon 1572 of the APC protein. Computational prediction is inconclusive regarding the impact of this variant on protein structure and function (internally defined REVEL score threshold 0.5 < inconclusive < 0.7, PMID: 27666373). To our knowledge, functional studies have not been reported for this variant. This variant has not been reported in individuals affected with hereditary cancer in the literature. This variant has not been identified in the general population by the Genome Aggregation Database (gnomAD). The available evidence is insufficient to determine the role of this variant in disease conclusively. Therefore, this variant is classified as a Variant of Uncertain Significance.